The following is an entry in ClinVar:

NM_000548.5(TSC2):c.3275C>A (p.Pro1092Gln)

Gene: TSC2 (TSC complex subunit 2; plus strand). Cytogenetic location: 16p13.3.
Variant type: single nucleotide variant.
Coding change: c.3275C>A on transcript NM_000548.5 (MANE Select); coding-DNA position 3275, C replaced by A.
Protein change: p.Pro1092Gln; replaces proline 1092 with glutamine.
Molecular consequence: missense variant.
Genome position (GRCh38, 1-based): chr16:2,079,419, C>A. VCF-style: chr16-2079419-C-A. GRCh37 (hg19) VCF-style: chr16-2129420-C-A.
Other names: c.3143C>A, p.Pro1048Gln (NM_001077183.3, NM_001370404.1, NM_001406665.1); c.3275C>A, p.Pro1092Gln (NM_001114382.3); c.3035C>A, p.Pro1012Gln (NM_001318827.2); c.2999C>A, p.Pro1000Gln (NM_001318829.2); c.2543C>A, p.Pro848Gln (NM_001318831.2, NM_001406687.1, NM_001406688.1); c.3176C>A, p.Pro1059Gln (NM_001318832.2); c.3146C>A, p.Pro1049Gln (NM_001363528.2, NM_001370405.1, NM_021055.3); c.3086C>A, p.Pro1029Gln (NM_001406677.1); and 18 more; short protein forms P1011Q, P1045Q, P1048Q, P514Q, P600Q, P1000Q, P1012Q, P1029Q.
Identifiers: ClinVar variation 1729663 (VCV001729663.7), dbSNP rs587781774, ClinGen allele CA394286268.

ClinVar aggregate classification (germline): Uncertain significance. Review status: criteria provided, multiple submitters, no conflicts (2 of 4 stars). 3 submissions from 3 submitters: Uncertain significance (3). Last evaluated 2025-07-29.

Conditions:
Hereditary cancer-predisposing syndrome. Also called: Neoplastic Syndromes, Hereditary; Tumor predisposition; Hereditary Cancer Syndrome; Hereditary neoplastic syndrome. Identifiers: Orphanet 140162, MedGen C0027672, MeSH D009386, MONDO:0015356.
Tuberous sclerosis syndrome (TSC). Also called: Tuberous Sclerosis Complex; Tuberous sclerosis. Identifiers: Orphanet 805, MedGen C0041341, MONDO:0001734.
Tuberous sclerosis 2 (TSC2). Identifiers: Orphanet 805, MedGen C1860707, MONDO:0013199, OMIM 613254.

Submissions (3):

Ambry Genetics
Classification: Uncertain significance for Hereditary cancer-predisposing syndrome. Last evaluated: 2025-07-29. Review status: criteria provided, single submitter. Criteria: Ambry Variant Classification Scheme 2023. Collection method: clinical testing. Allele origin: germline.
Comment: The p.P1092Q variant (also known as c.3275C>A), located in coding exon 27 of the TSC2 gene, results from a C to A substitution at nucleotide position 3275. The proline at codon 1092 is replaced by glutamine, an amino acid with similar properties. This amino acid position is not well conserved in available vertebrate species. In addition, the in silico prediction for this alteration is inconclusive. Based on the available evidence, the clinical significance of this variant remains unclear.

Labcorp Genetics (formerly Invitae), Labcorp
Classification: Uncertain significance for Tuberous sclerosis 2. Last evaluated: 2024-11-11. Review status: criteria provided, single submitter. Criteria: Invitae Variant Classification Sherloc (09022015). Collection method: clinical testing. Allele origin: germline.
Comment: This sequence change replaces proline, which is neutral and non-polar, with glutamine, which is neutral and polar, at codon 1092 of the TSC2 protein (p.Pro1092Gln). This variant is not present in population databases (gnomAD no frequency). This variant has not been reported in the literature in individuals affected with TSC2-related conditions. ClinVar contains an entry for this variant (Variation ID: 1729663). Invitae Evidence Modeling of protein sequence and biophysical properties (such as structural, functional, and spatial information, amino acid conservation, physicochemical variation, residue mobility, and thermodynamic stability) indicates that this missense variant is not expected to disrupt TSC2 protein function with a negative predictive value of 95%. In summary, the available evidence is currently insufficient to determine the role of this variant in disease. Therefore, it has been classified as a Variant of Uncertain Significance.

All of Us Research Program, National Institutes of Health
Classification: Uncertain significance for Tuberous sclerosis syndrome. Last evaluated: 2023-07-19. Review status: criteria provided, single submitter. Criteria: ACMG Guidelines, 2015. Collection method: clinical testing. Allele origin: germline. Inheritance: Autosomal dominant inheritance. Observed: 1 variant allele, 1 heterozygote.
Comment: This missense variant replaces proline with glutamine at codon 1092 of the TSC2 protein. Computational prediction suggests that this variant may not impact protein structure and function (internally defined REVEL score threshold <= 0.5, PMID: 27666373). To our knowledge, functional studies have not been reported for this variant. This variant has not been reported in individuals affected with TSC2-related disorders in the literature. This variant has not been identified in the general population by the Genome Aggregation Database (gnomAD). The available evidence is insufficient to determine the role of this variant in disease conclusively. Therefore, this variant is classified as a Variant of Uncertain Significance.

This study involves interpretation of variants in research participants for the purpose of population health screening. Participant phenotype was not available at the time of variant classification. Additional details can be found in publication PMID: 35346344, PMCID: PMC8962531